The following is an entry in ClinVar:

NM_006759.4(UGP2):c.1265G>A (p.Arg422Gln)

Gene: UGP2 (UDP-glucose pyrophosphorylase 2; plus strand). Cytogenetic location: 2p15.
Variant type: single nucleotide variant.
Coding change: c.1265G>A on transcript NM_006759.4 (MANE Select); coding-DNA position 1265, G replaced by A.
Protein change: p.Arg422Gln; replaces arginine 422 with glutamine.
Molecular consequence: missense variant.
Genome position (GRCh38, 1-based): chr2:63,887,595, G>A. VCF-style: chr2-63887595-G-A. GRCh37 (hg19) VCF-style: chr2-64114729-G-A.
Other names: c.1232G>A, p.Arg411Gln (NM_001001521.2, NM_001377524.1, NM_001377525.1); c.905G>A, p.Arg302Gln (NM_001377526.1, NM_001377527.1, NM_001377528.1 and 1 more transcripts); short protein forms R302Q, R411Q, R422Q.
Identifiers: ClinVar variation 3731372 (VCV003731372.1).

ClinVar aggregate classification (germline): Uncertain significance (1 of 4 stars; one submission).

Conditions:
Developmental and epileptic encephalopathy, 83. Also called: EPILEPTIC ENCEPHALOPATHY, EARLY INFANTILE, 83; BARAKAT-PERENTHALER SYNDROME. Identifiers: MedGen C5231487, MONDO:0032895, OMIM 618744.

Submission:

Neuberg Centre For Genomic Medicine, NCGM
Classification: Uncertain significance for Developmental and epileptic encephalopathy, 83. Last evaluated: 2023-06-22. Review status: criteria provided, single submitter. Criteria: ACMG Guidelines, 2015. Collection method: clinical testing. Allele origin: germline. Inheritance: Autosomal recessive inheritance. Affected: yes.
Comment: The observed missense variant c.1265G>A(p.Arg422Gln) in UGP2 gene has not been reported previously as a pathogenic variant nor as a benign variant, to our knowledge. This variant is reported with 0.004% allele frequency in gnomAD Exomes. The amino acid Arg at position 422 is changed to a Gln changing protein sequence and it might alter its composition and physico-chemical properties. Multiple lines of computational evidence (Polyphen-probably damaging, SIFT-damaging and MutationTaster-disease causing) predict a damaging effect on protein structure and function for this variant. The reference amino acid p.Arg422Gln in UGP2 is predicted as conserved by GERP++ and PhyloP across 100 vertebrates. For these reasons, this variant has been classified as Uncertain Significance.